The following is an entry in ClinVar:

NM_000156.6(GAMT):c.25A>G (p.Ile9Val)

Genes: GAMT (guanidinoacetate N-methyltransferase; minus strand), LOC130062945 (ATAC-STARR-seq lymphoblastoid silent region 9707; plus strand). Cytogenetic location: 19p13.3.
Variant type: single nucleotide variant.
Coding change: c.25A>G on transcript NM_000156.6 (MANE Select); coding-DNA position 25, A replaced by G.
Protein change: p.Ile9Val; replaces isoleucine 9 with valine.
Molecular consequence: missense variant.
Genome position (GRCh38, 1-based): chr19:1,401,452, T>C on the plus strand (A>G on the coding strand, the complement: GAMT is on the minus strand). VCF-style: chr19-1401452-T-C. GRCh37 (hg19) VCF-style: chr19-1401451-T-C.
Other names: c.25A>G, p.Ile9Val (NM_138924.3); short protein forms I9V.
Identifiers: ClinVar variation 449597 (VCV000449597.22), dbSNP rs1555777381, ClinGen allele CA402998450.

ClinVar aggregate classification (germline): Uncertain significance. Review status: criteria provided, multiple submitters, no conflicts (2 of 4 stars). 8 submissions from 8 submitters: Uncertain significance (7). 1 of the submissions does not count toward it. Last evaluated 2026-08-10.

Conditions:
GAMT-related disorder. Also called: GAMT-related condition.
Cerebral creatine deficiency syndrome. Also called: Creatine deficiency syndromes. Identifiers: Orphanet 79172, MedGen C5244016, MONDO:0000456.
Inborn genetic diseases. Identifiers: MedGen C0950123, MeSH D030342.
Deficiency of guanidinoacetate methyltransferase (CCDS2). Also called: Guanidinoacetate Methyltransferase (GAMT) Deficiency; CEREBRAL CREATINE DEFICIENCY SYNDROME 2; GAMT DEFICIENCY. Identifiers: Orphanet 382, MedGen C0574080, MONDO:0012999, OMIM 612736.

Allele frequency attached by ClinVar (database versions not stated): gnomAD 0.00001; gnomAD exomes 0.00001; TOPMed below 0.00001.
gnomAD v4.1: 9 of 1,397,302 alleles (0.00064%); highest among the groups gnomAD compares: African/African-American, 0.013%; no homozygotes.

Submissions (8):

GeneDx
Classification: Uncertain significance. Last evaluated: 2026-08-10. Review status: criteria provided, single submitter. Criteria: GeneDx Variant Classification Process June 2021. Collection method: clinical testing. Allele origin: germline.
Comment: Not observed at significant frequency in large population cohorts (gnomAD); In silico analysis suggests that this missense variant does not alter protein structure/function; Has not been previously published as pathogenic or benign to our knowledge

PreventionGenetics, part of Exact Sciences
Classification: Uncertain significance for GAMT-related condition. Last evaluated: 2022-12-07. Review status: criteria provided, single submitter. Criteria: ACMG Guidelines, 2015. Collection method: clinical testing. Allele origin: germline.
Comment: The GAMT c.25A>G variant is predicted to result in the amino acid substitution p.Ile9Val. To our knowledge, this variant has not been reported in the literature or in a large population database, indicating this variant is rare. At this time, the clinical significance of this variant is uncertain due to the absence of conclusive functional and genetic evidence.

Labcorp Genetics (formerly Invitae), Labcorp
Classification: Uncertain significance for Cerebral creatine deficiency syndrome. Last evaluated: 2022-10-24. Review status: criteria provided, single submitter. Criteria: Invitae Variant Classification Sherloc (09022015). Collection method: clinical testing. Allele origin: germline.
Comment: This sequence change replaces isoleucine, which is neutral and non-polar, with valine, which is neutral and non-polar, at codon 9 of the GAMT protein (p.Ile9Val). This variant is not present in population databases (gnomAD no frequency). This variant has not been reported in the literature in individuals affected with GAMT-related conditions. ClinVar contains an entry for this variant (Variation ID: 449597). Algorithms developed to predict the effect of missense changes on protein structure and function (SIFT, PolyPhen-2, Align-GVGD) all suggest that this variant is likely to be tolerated. In summary, the available evidence is currently insufficient to determine the role of this variant in disease. Therefore, it has been classified as a Variant of Uncertain Significance.

Baylor Genetics
Classification: Uncertain significance for Deficiency of guanidinoacetate methyltransferase. Last evaluated: 2019-10-24. Review status: criteria provided, single submitter. Criteria: ACMG Guidelines, 2015. Collection method: clinical testing. Allele origin: unknown. Affected: yes.
Comment: This variant was determined to be of uncertain significance according to ACMG Guidelines, 2015 [PMID:25741868].

Illumina Laboratory Services, Illumina
Classification: Uncertain significance for Deficiency of guanidinoacetate methyltransferase. Last evaluated: 2018-01-13. Review status: criteria provided, single submitter. Criteria: ICSL Variant Classification Criteria 13 December 2019. Collection method: clinical testing. Allele origin: germline.

Ambry Genetics
Classification: Uncertain significance for Inborn genetic diseases. Last evaluated: 2016-12-23. Review status: criteria provided, single submitter. Criteria: Ambry Variant Classification Scheme 2023. Collection method: clinical testing. Allele origin: germline.
Comment: The p.I9V variant (also known as c.25A>G), located in coding exon 1 of the GAMT gene, results from an A to G substitution at nucleotide position 25. The isoleucine at codon 9 is replaced by valine, an amino acid with highly similar properties. This amino acid position is highly conserved in available vertebrate species. In addition, this alteration is predicted to be tolerated by in silico analysis. Since supporting evidence is limited at this time, the clinical significance of this alteration remains unclear.

Breakthrough Genomics
Classification: Uncertain significance. Review status: criteria provided, single submitter. Criteria: ACMG Guidelines, 2015. Collection method: not provided. Allele origin: germline. Inheritance: Autosomal recessive inheritance. Affected: yes.

Natera, Inc.
Classification: Uncertain significance for Guanidinoacetate methyltransferase deficiency. Last evaluated: 2020-07-17. Review status: no assertion criteria provided. Collection method: clinical testing. Allele origin: germline. Not counted in ClinVar's aggregate classification.